The following is an entry in ClinVar:

ClinVar aggregate classification (germline): Uncertain significance. Review status: criteria provided, single submitter (1 of 4 stars). 2 submissions from 2 submitters: Uncertain significance (1). 1 of the submissions does not count toward it. Last evaluated 2022-10-24.

Conditions:
Alstrom syndrome (ALMS). Identifiers: Orphanet 64, MedGen C0268425, MONDO:0008763, OMIM 203800.

Allele frequency attached by ClinVar (database versions not stated): gnomAD 0.00001; TOPMed 0.00001; ExAC 0.00002; gnomAD exomes 0.00002; ESP Exome Variant Server 0.00008; 1000 Genomes Project 30x 0.00016; 1000 Genomes Project 0.00020.
gnomAD v4.1: 9 of 1,614,024 alleles (0.00056%); highest among the groups gnomAD compares: Admixed American, 0.0033%; no homozygotes.

Submissions (2):

Labcorp Genetics (formerly Invitae), Labcorp
Classification: Uncertain significance for Alstrom syndrome. Last evaluated: 2022-10-24. Review status: criteria provided, single submitter. Criteria: Invitae Variant Classification Sherloc (09022015). Collection method: clinical testing. Allele origin: germline.
Comment: This sequence change replaces threonine, which is neutral and polar, with alanine, which is neutral and non-polar, at codon 546 of the ALMS1 protein (p.Thr546Ala). This variant is present in population databases (rs201647675, gnomAD 0.009%). This variant has not been reported in the literature in individuals affected with ALMS1-related conditions. ClinVar contains an entry for this variant (Variation ID: 1006494). Experimental studies and prediction algorithms are not available or were not evaluated, and the functional significance of this variant is currently unknown. In summary, the available evidence is currently insufficient to determine the role of this variant in disease. Therefore, it has been classified as a Variant of Uncertain Significance.

Natera, Inc.
Classification: Uncertain significance for Alstrom syndrome. Last evaluated: 2020-06-09. Review status: no assertion criteria provided. Collection method: clinical testing. Allele origin: germline. Not counted in ClinVar's aggregate classification.

NM_001378454.1(ALMS1):c.1633A>G (p.Thr545Ala)

Gene: ALMS1 (ALMS1 centrosome and basal body associated protein; plus strand). Cytogenetic location: 2p13.1.
Variant type: single nucleotide variant.
Coding change: c.1633A>G on transcript NM_001378454.1 (MANE Select); coding-DNA position 1633, A replaced by G.
Protein change: p.Thr545Ala; replaces threonine 545 with alanine.
Molecular consequence: missense variant.
Genome position (GRCh38, 1-based): chr2:73,448,160, A>G. VCF-style: chr2-73448160-A-G. GRCh37 (hg19) VCF-style: chr2-73675287-A-G.
Other names: c.1636A>G, p.Thr546Ala (NM_015120.4); short protein forms T545A, T546A.
Identifiers: ClinVar variation 1006494 (VCV001006494.6), dbSNP rs201647675, ClinGen allele CA1713202.